The following is an entry in ClinVar:

NM_004064.5(CDKN1B):c.590A>T (p.Gln197Leu)

Gene: CDKN1B (cyclin dependent kinase inhibitor 1B; plus strand). Cytogenetic location: 12p13.1.
Variant type: single nucleotide variant.
Coding change: c.590A>T on transcript NM_004064.5 (MANE Select); coding-DNA position 590, A replaced by T.
Protein change: p.Gln197Leu; replaces glutamine 197 with leucine.
Molecular consequence: missense variant.
Genome position (GRCh38, 1-based): chr12:12,718,939, A>T. VCF-style: chr12-12718939-A-T. GRCh37 (hg19) VCF-style: chr12-12871873-A-T.
Other names: short protein forms Q197L.
Identifiers: ClinVar variation 1750438 (VCV001750438.5), dbSNP rs1946513852, ClinGen allele CA383973222.

ClinVar aggregate classification (germline): Uncertain significance. Review status: criteria provided, multiple submitters, no conflicts (2 of 4 stars). 2 submissions from 2 submitters: Uncertain significance (2). Last evaluated 2025-05-26.

Conditions:
Hereditary cancer-predisposing syndrome. Also called: Neoplastic Syndromes, Hereditary; Tumor predisposition; Hereditary neoplastic syndrome; Hereditary Cancer Syndrome. Identifiers: Orphanet 140162, MedGen C0027672, MeSH D009386, MONDO:0015356.
Multiple endocrine neoplasia type 4. Also called: MULTIPLE ENDOCRINE NEOPLASIA, TYPE IV. Identifiers: Orphanet 276152, MedGen C1970712, MONDO:0012552, OMIM 610755.

Allele frequency attached by ClinVar (database versions not stated): gnomAD exomes below 0.00001.
gnomAD v4.1: 2 of 1,614,044 alleles (0.00012%); highest among the groups gnomAD compares: Non-Finnish European, 0.00017%; no homozygotes.

Submissions (2):

Labcorp Genetics (formerly Invitae), Labcorp
Classification: Uncertain significance for Multiple endocrine neoplasia type 4. Last evaluated: 2025-05-26. Review status: criteria provided, single submitter. Criteria: Invitae Variant Classification Sherloc (09022015). Collection method: clinical testing. Allele origin: germline.
Comment: This sequence change replaces glutamine, which is neutral and polar, with leucine, which is neutral and non-polar, at codon 197 of the CDKN1B protein (p.Gln197Leu). This variant is not present in population databases (gnomAD no frequency). This variant has not been reported in the literature in individuals affected with CDKN1B-related conditions. ClinVar contains an entry for this variant (Variation ID: 1750438). An algorithm developed to predict the effect of missense changes on protein structure and function (PolyPhen-2) suggests that this variant is likely to be disruptive. In summary, the available evidence is currently insufficient to determine the role of this variant in disease. Therefore, it has been classified as a Variant of Uncertain Significance.

Ambry Genetics
Classification: Uncertain significance for Hereditary cancer-predisposing syndrome. Last evaluated: 2022-07-02. Review status: criteria provided, single submitter. Criteria: Ambry Variant Classification Scheme 2023. Collection method: clinical testing. Allele origin: germline.
Comment: The p.Q197L variant (also known as c.590A>T), located in coding exon 2 of the CDKN1B gene, results from an A to T substitution at nucleotide position 590. The glutamine at codon 197 is replaced by leucine, an amino acid with dissimilar properties. This amino acid position is conserved. In addition, the in silico prediction for this alteration is inconclusive. Since supporting evidence is limited at this time, the clinical significance of this alteration remains unclear.